The following is an entry in ClinVar:

NM_000516.7(GNAS):c.586-4T>G

Gene: GNAS (GNAS complex locus; plus strand). Cytogenetic location: 20q13.32.
Variant type: single nucleotide variant.
Coding change: c.586-4T>G on transcript NM_000516.7 (MANE Select); 4 bases into the intron before coding-DNA position 586, T replaced by G.
Molecular consequence: intron variant.
Genome position (GRCh38, 1-based): chr20:58,909,346, T>G. VCF-style: chr20-58909346-T-G. GRCh37 (hg19) VCF-style: chr20-57484401-T-G.
Other names: c.*492-4T>G (NM_016592.5); c.490-4T>G (NM_001410912.1); c.409-4T>G (NM_001309861.2, NM_001309840.2); c.*447-4T>G (NM_001077490.3); c.2515-4T>G (NM_080425.4); c.2470-4T>G (NM_001410913.1); c.589-4T>G (NM_001077488.5); c.544-4T>G (NM_080426.4); and 1 more.
Identifiers: ClinVar variation 3030361 (VCV003030361.5), dbSNP rs1435715794, ClinGen allele CA511086552.

ClinVar aggregate classification (germline): Likely benign. Review status: criteria provided, multiple submitters, no conflicts (2 of 4 stars). 3 submissions from 3 submitters: Likely benign (2). 1 of the submissions does not count toward it. Last evaluated 2026-08-01.

Conditions:
GNAS-related disorder. Identifiers: MedGen CN380105.

Allele frequency attached by ClinVar (database versions not stated): TOPMed below 0.00001; gnomAD 0.00001; gnomAD exomes 0.00002.
gnomAD v4.1: 31 of 1,613,098 alleles (0.0019%); highest among the groups gnomAD compares: Non-Finnish European, 0.0024%; no homozygotes.

Submissions (3):

CeGaT Center for Human Genetics Tuebingen
Classification: Likely benign. Last evaluated: 2026-08-01. Review status: criteria provided, single submitter. Criteria: CeGaT Center For Human Genetics Tuebingen Variant Classification Criteria Version 2. Collection method: clinical testing. Allele origin: germline. Affected: yes. Observed: 1 variant allele.
Comment: GNAS: BP4

Labcorp Genetics (formerly Invitae), Labcorp
Classification: Likely benign. Last evaluated: 2025-09-16. Review status: criteria provided, single submitter. Criteria: Invitae Variant Classification Sherloc (09022015). Collection method: clinical testing. Allele origin: germline.

PreventionGenetics, part of Exact Sciences
Classification: Likely benign for GNAS-related condition. Last evaluated: 2021-05-28. Review status: no assertion criteria provided. Collection method: clinical testing. Allele origin: germline. Not counted in ClinVar's aggregate classification.
Comment: This variant is classified as likely benign based on ACMG/AMP sequence variant interpretation guidelines (Richards et al. 2015 PMID: 25741868, with internal and published modifications).